The following is an entry in ClinVar:

NM_001206927.2(DNAH8):c.11943G>A (p.Met3981Ile)

Genes: DNAH8 (dynein axonemal heavy chain 8; plus strand), DNAH8-AS1 (DNAH8 antisense RNA 1; minus strand). Cytogenetic location: 6p21.2.
Variant type: single nucleotide variant.
Coding change: c.11943G>A on transcript NM_001206927.2 (MANE Select); coding-DNA position 11943, G replaced by A.
Protein change: p.Met3981Ile; replaces methionine 3981 with isoleucine.
Molecular consequence: missense variant.
Genome position (GRCh38, 1-based): chr6:38,938,924, G>A. VCF-style: chr6-38938924-G-A. GRCh37 (hg19) VCF-style: chr6-38906700-G-A.
Other names: c.11292G>A, p.Met3764Ile (NM_001371.4); short protein forms M3981I, M3764I.
Identifiers: ClinVar variation 577981 (VCV000577981.8), dbSNP rs376317347, ClinGen allele CA3791220.

ClinVar aggregate classification (germline): Uncertain significance. Review status: criteria provided, multiple submitters, no conflicts (2 of 4 stars). 2 submissions from 2 submitters: Uncertain significance (2). Last evaluated 2024-03-19.

Conditions:
Primary ciliary dyskinesia. Also called: Ciliary dyskinesia. Identifiers: Orphanet 244, MedGen C0008780, MONDO:0016575, HP:0012265.

Allele frequency attached by ClinVar (database versions not stated): gnomAD 0.00001 and 0.00002; TOPMed 0.00003; ExAC 0.00007; gnomAD exomes 0.00007 and 0.00008; ESP Exome Variant Server 0.00008.
gnomAD v4.1: 98 of 1,613,780 alleles (0.0061%); highest among the groups gnomAD compares: South Asian, 0.021%; no homozygotes.

Submissions (2):

Ambry Genetics
Classification: Uncertain significance. Last evaluated: 2024-03-19. Review status: criteria provided, single submitter. Criteria: Ambry Variant Classification Scheme 2023. Collection method: clinical testing. Allele origin: germline.

Labcorp Genetics (formerly Invitae), Labcorp
Classification: Uncertain significance for Primary ciliary dyskinesia. Last evaluated: 2022-05-11. Review status: criteria provided, single submitter. Criteria: Invitae Variant Classification Sherloc (09022015). Collection method: clinical testing. Allele origin: germline.
Comment: This sequence change replaces methionine, which is neutral and non-polar, with isoleucine, which is neutral and non-polar, at codon 3981 of the DNAH8 protein (p.Met3981Ile). This variant is present in population databases (rs376317347, gnomAD 0.02%). This variant has not been reported in the literature in individuals affected with DNAH8-related conditions. ClinVar contains an entry for this variant (Variation ID: 577981). Algorithms developed to predict the effect of missense changes on protein structure and function are either unavailable or do not agree on the potential impact of this missense change (SIFT: "Deleterious"; PolyPhen-2: "Not Available"; Align-GVGD: "Class C0"). In summary, the available evidence is currently insufficient to determine the role of this variant in disease. Therefore, it has been classified as a Variant of Uncertain Significance.